The following is an entry in ClinVar:

ClinVar aggregate classification (germline): Uncertain significance (1 of 4 stars; one submission).

Conditions:
Glycogen storage disease XV (GSD15). Also called: GLYCOGENIN DEFICIENCY; GSD XV. Identifiers: Orphanet 263297, MedGen C3150754, MONDO:0013291, OMIM 613507.
Polyglucosan body myopathy type 2. Identifiers: Orphanet 456369, MedGen C4015452, MONDO:0014526, OMIM 616199.

Allele frequency attached by ClinVar (database versions not stated): gnomAD exomes below 0.00001 and 0.00001; TOPMed 0.00001.
gnomAD v4.1: 7 of 1,614,114 alleles (0.00043%); highest among the groups gnomAD compares: Non-Finnish European, 0.00059%; no homozygotes.

Submission:

Labcorp Genetics (formerly Invitae), Labcorp
Classification: Uncertain significance for Polyglucosan body myopathy type 2; Glycogen storage disease XV. Last evaluated: 2025-10-02. Review status: criteria provided, single submitter. Criteria: Invitae Variant Classification Sherloc (09022015). Collection method: clinical testing. Allele origin: germline.
Comment: This sequence change replaces glutamine, which is neutral and polar, with lysine, which is basic and polar, at codon 42 of the GYG1 protein (p.Gln42Lys). This variant is present in population databases (no rsID available, gnomAD 0.002%). This variant has not been reported in the literature in individuals affected with GYG1-related conditions. ClinVar contains an entry for this variant (Variation ID: 1501189). Invitae Evidence Modeling of protein sequence and biophysical properties (such as structural, functional, and spatial information, amino acid conservation, physicochemical variation, residue mobility, and thermodynamic stability) indicates that this missense variant is not expected to disrupt GYG1 protein function with a negative predictive value of 80%. In summary, the available evidence is currently insufficient to determine the role of this variant in disease. Therefore, it has been classified as a Variant of Uncertain Significance.

NM_004130.4(GYG1):c.124C>A (p.Gln42Lys)

Gene: GYG1 (glycogenin 1; plus strand). Cytogenetic location: 3q24.
Variant type: single nucleotide variant.
Coding change: c.124C>A on transcript NM_004130.4 (MANE Select); coding-DNA position 124, C replaced by A.
Protein change: p.Gln42Lys; replaces glutamine 42 with lysine.
Molecular consequence: missense variant.
Genome position (GRCh38, 1-based): chr3:148,994,258, C>A. VCF-style: chr3-148994258-C-A. GRCh37 (hg19) VCF-style: chr3-148712045-C-A.
Other names: c.124C>A, p.Gln42Lys (NM_001184720.2, NM_001184721.2); short protein forms Q42K.
Identifiers: ClinVar variation 1501189 (VCV001501189.4), dbSNP rs1330476252, ClinGen allele CA354910289.